The following is an entry in ClinVar:

ClinVar aggregate classification (germline): Benign/Likely benign. Review status: criteria provided, multiple submitters, no conflicts (2 of 4 stars). 5 submissions from 5 submitters: Benign (1); Likely benign (3). 1 of the submissions does not count toward it. Last evaluated 2026-07-01.

Conditions:
GABRB1-related disorder. Also called: GABRB1-related condition.

Allele frequency attached by ClinVar (database versions not stated): gnomAD exomes 0.00249; ExAC 0.00262; ESP Exome Variant Server 0.00292; 1000 Genomes Project 0.00120; 1000 Genomes Project 30x 0.00141; gnomAD 0.00216 and 0.00220; TOPMed 0.00220.
gnomAD v4.1: 4,814 of 1,614,120 alleles (0.3%); highest among the groups gnomAD compares: Non-Finnish European, 0.36%; 7 homozygotes.

Submissions (5):

CeGaT Center for Human Genetics Tuebingen
Classification: Benign. Last evaluated: 2026-07-01. Review status: criteria provided, single submitter. Criteria: CeGaT Center For Human Genetics Tuebingen Variant Classification Criteria Version 2. Collection method: clinical testing. Allele origin: germline. Affected: yes. Observed: 7 variant alleles.
Comment: GABRB1: BS1, BS2

Labcorp Genetics (formerly Invitae), Labcorp
Classification: Likely benign. Last evaluated: 2026-02-03. Review status: criteria provided, single submitter. Criteria: Invitae Variant Classification Sherloc (09022015). Collection method: clinical testing. Allele origin: germline.

Blueprint Genetics
Classification: Likely benign. Last evaluated: 2024-11-21. Review status: criteria provided, single submitter. Criteria: ACMG Guidelines, 2015. Collection method: clinical testing. Allele origin: germline.

Center for Pediatric Genomic Medicine, Children's Mercy Hospital and Clinics
Classification: Likely benign. Last evaluated: 2017-06-02. Review status: criteria provided, single submitter. Criteria: ACMG Guidelines, 2015. Collection method: clinical testing. Allele origin: germline.

PreventionGenetics, part of Exact Sciences
Classification: Benign for GABRB1-related condition. Last evaluated: 2020-03-31. Review status: no assertion criteria provided. Collection method: clinical testing. Allele origin: germline. Not counted in ClinVar's aggregate classification.
Comment: This variant is classified as benign based on ACMG/AMP sequence variant interpretation guidelines (Richards et al. 2015 PMID: 25741868, with internal and published modifications).

NM_000812.4(GABRB1):c.1263C>G (p.His421Gln)

Gene: GABRB1 (gamma-aminobutyric acid type A receptor subunit beta1; plus strand). Cytogenetic location: 4p12.
Variant type: single nucleotide variant.
Coding change: c.1263C>G on transcript NM_000812.4 (MANE Select); coding-DNA position 1263, C replaced by G.
Protein change: p.His421Gln; replaces histidine 421 with glutamine.
Molecular consequence: missense variant.
Genome position (GRCh38, 1-based): chr4:47,425,856, C>G. VCF-style: chr4-47425856-C-G. GRCh37 (hg19) VCF-style: chr4-47427873-C-G.
Other names: short protein forms H421Q.
Identifiers: ClinVar variation 445620 (VCV000445620.44), dbSNP rs41311286, ClinGen allele CA2907793.